The following is an entry in ClinVar:

ClinVar aggregate classification (germline): Uncertain significance (3 of 4 stars; one submission).

Conditions:
Monogenic diabetes. Identifiers: Orphanet 183625, MedGen C3888631, MONDO:0015967.

Submission:

ClinGen Monogenic Diabetes Variant Curation Expert Panel
Classification: Uncertain significance for Monogenic diabetes. Last evaluated: 2025-06-18. Review status: reviewed by expert panel. Criteria: ClinGen Diabetes ACMG Specifications HNF1A V2.1.0. Collection method: curation. Allele origin: germline. Inheritance: Autosomal dominant inheritance.
Comment: The c.73G>C variant in the HNF1 homeobox A gene, HNF1A, causes an amino acid change of alanine to proline at codon 25 (p.(Ala25Pro)) of NM_000545.8. This variant is located within the DNA dimerization domain (codons 1-32) of HNF1A, which is defined as critical for the protein’s function by the ClinGen MDEP (PM1_Supporting) and is absent from gnomAD v2.1.1 (PM2_Supporting). This variant has a REVEL score of 0.684, which is between the ClinGen MDEP thresholds for BP4 and PP3, predicting neither a damaging nor benign impact on HNF1A function. This variant was identified in an individual with a MODY Probability Calculator score > 50% and antibody-negative; however, HNF4A was not tested, so PP4 cannot be applied (PMID: 15841481). This variant was identified in two unrelated individuals with non-autoimmune and non-absolute/near-absolute insulin-deficient diabetes; however, PS4_Moderate cannot be applied because this number is below the ClinGen MDEP threshold (PMIDs: 15841481, 21224407). In summary, c.73G>C meets the criteria to be classified as a variant of uncertain significance for monogenic diabetes. ACMG/AMP criteria applied, as specified by the ClinGen MDEP (specification version 2.1.0, approved 8/11/2023): PM1_Supporting, PM2_Supporting.

Literature cited by the submitters: PubMed 15841481; PubMed 21224407.

NM_000545.8(HNF1A):c.73G>C (p.Ala25Pro)

Gene: HNF1A (HNF1 homeobox A; plus strand). Cytogenetic location: 12q24.31.
Variant type: single nucleotide variant.
Coding change: c.73G>C on transcript NM_000545.8 (MANE Select); coding-DNA position 73, G replaced by C.
Protein change: p.Ala25Pro; replaces alanine 25 with proline.
Molecular consequence: missense variant.
Genome position (GRCh38, 1-based): chr12:120,978,841, G>C. VCF-style: chr12-120978841-G-C. GRCh37 (hg19) VCF-style: chr12-121416644-G-C.
Other names: NM_001306179.2:c.73G>C; NM_000545.8(HNF1A):c.73G>C; p.Ala25Pro; c.73G>C, p.Ala25Pro (NM_001306179.2); short protein forms A25P.
Identifiers: ClinVar variation 1675059 (VCV001675059.4), dbSNP rs587778394, ClinGen allele CA386952675.